The following is an entry in ClinVar:

NM_153717.3(EVC):c.2545C>T (p.Gln849Ter)

Gene: EVC (EvC ciliary complex subunit 1; plus strand). Cytogenetic location: 4p16.2.
Variant type: single nucleotide variant.
Coding change: c.2545C>T on transcript NM_153717.3 (MANE Select); coding-DNA position 2545, C replaced by T.
Protein change: p.Gln849Ter; replaces glutamine 849 with a stop codon.
Molecular consequence: nonsense.
Genome position (GRCh38, 1-based): chr4:5,804,825, C>T. VCF-style: chr4-5804825-C-T. GRCh37 (hg19) VCF-style: chr4-5806552-C-T.
Other names: c.2545C>T (NM_153717.2); c.2545C>T, p.Gln849Ter (NM_001306090.2); short protein forms Q849*.
Identifiers: ClinVar variation 1073898 (VCV001073898.11), dbSNP rs561852174, ClinGen allele CA356149820.

ClinVar aggregate classification (germline): Pathogenic/Likely pathogenic. Review status: criteria provided, multiple submitters, no conflicts (2 of 4 stars). 3 submissions from 3 submitters: Pathogenic (1); Likely pathogenic (2). Last evaluated 2025-02-14.

Conditions:
Curry-Hall syndrome (WAD). Also called: WEYERS ACRODENTAL DYSOSTOSIS. Identifiers: Orphanet 952, MedGen C0457013, MONDO:0008673, OMIM 193530.
Ellis-van Creveld syndrome (EVC). Also called: Chondroectodermal dysplasia; MESOECTODERMAL DYSPLASIA; EVC-Related Ellis-van Creveld Syndrome; EVC2-Related Ellis-van Creveld Syndrome. Identifiers: Orphanet 289, MedGen C0013903, MONDO:0009162, OMIM 225500.

Submissions (3):

Natera, Inc.
Classification: Likely pathogenic for Ellis-van Creveld syndrome. Last evaluated: 2025-02-14. Review status: criteria provided, single submitter. Criteria: Natera Variant Classification Schema (03/2026). Collection method: clinical testing. Allele origin: germline.
Comment: The c.2545C>T variant in EVC is a nonsense variant predicted to introduce a stop codon at amino acid 849. This variant is expected to result in nonsense mediated decay, truncation, or a dysfunctional protein product. This variant is rare in the general population with a frequency below the threshold expected for the associated phenotype(s). Given the available evidence, this variant is classified as Likely Pathogenic.

Fulgent Genetics
Classification: Likely pathogenic for Curry-Hall syndrome; Ellis-van Creveld syndrome. Last evaluated: 2024-03-18. Review status: criteria provided, single submitter. Criteria: ACMG Guidelines, 2015. Collection method: clinical testing. Allele origin: germline.

Labcorp Genetics (formerly Invitae), Labcorp
Classification: Pathogenic for Curry-Hall syndrome; Ellis-van Creveld syndrome. Last evaluated: 2023-11-24. Review status: criteria provided, single submitter. Criteria: Invitae Variant Classification Sherloc (09022015). Collection method: clinical testing. Allele origin: germline.
Comment: This sequence change creates a premature translational stop signal (p.Gln849*) in the EVC gene. It is expected to result in an absent or disrupted protein product. Loss-of-function variants in EVC are known to be pathogenic (PMID: 23220543). This variant is not present in population databases (gnomAD no frequency). This variant has not been reported in the literature in individuals affected with EVC-related conditions. ClinVar contains an entry for this variant (Variation ID: 1073898). For these reasons, this variant has been classified as Pathogenic.

Literature cited by the submitters: PubMed 23220543 (cited by Labcorp Genetics (formerly Invitae), Labcorp).